The following is an entry in ClinVar:

ClinVar aggregate classification (germline): Likely benign. Review status: criteria provided, multiple submitters, no conflicts (2 of 4 stars). 2 submissions from 2 submitters: Likely benign (2). Last evaluated 2025-10-27.

Conditions:
TTN-related disorder. Also called: TTN-related condition; TTN-related disease; TTN-related disorders.
Autosomal recessive limb-girdle muscular dystrophy type 2J (LGMDR10). Also called: Limb-girdle muscular dystrophy, type 2J; MUSCULAR DYSTROPHY, LIMB-GIRDLE, AUTOSOMAL RECESSIVE 10. Identifiers: Orphanet 140922, MedGen C1837342, MONDO:0012127, OMIM 608807.
Dilated cardiomyopathy 1G (CMD1G). Identifiers: Orphanet 154, MedGen C1858763, MONDO:0011400, OMIM 604145.

Allele frequency attached by ClinVar (database versions not stated): TOPMed below 0.00001; ExAC 0.00001; gnomAD exomes 0.00001.
gnomAD v4.1: 9 of 1,613,306 alleles (0.00056%); highest among the groups gnomAD compares: East Asian, 0.0022%; no homozygotes.

Submissions (2):

Labcorp Genetics (formerly Invitae), Labcorp
Classification: Likely benign for Dilated cardiomyopathy 1G; Autosomal recessive limb-girdle muscular dystrophy type 2J. Last evaluated: 2025-10-27. Review status: criteria provided, single submitter. Criteria: Invitae Variant Classification Sherloc (09022015). Collection method: clinical testing. Allele origin: germline.

PreventionGenetics, part of Exact Sciences
Classification: Likely benign for TTN-related condition. Last evaluated: 2025-06-13. Review status: criteria provided, single submitter. Criteria: ACMG Guidelines, 2015. Collection method: clinical testing. Allele origin: germline.
Comment: This variant is classified as likely benign based on ACMG/AMP sequence variant interpretation guidelines (Richards et al. 2015 PMID: 25741868, with internal and published modifications).

NM_001267550.2(TTN):c.58575C>T (p.Asp19525=)

Genes: TTN (titin; minus strand), TTN-AS1 (TTN antisense RNA 1; plus strand). Cytogenetic location: 2q31.2.
Variant type: single nucleotide variant.
Coding change: c.58575C>T on transcript NM_001267550.2 (MANE Select); coding-DNA position 58575, C replaced by T.
Protein change: p.Asp19525=; no amino-acid change (aspartic acid 19525 retained).
Molecular consequence: synonymous variant.
Genome position (GRCh38, 1-based): chr2:178,593,725, G>A on the plus strand (C>T on the coding strand, the complement: TTN is on the minus strand). VCF-style: chr2-178593725-G-A. GRCh37 (hg19) VCF-style: chr2-179458452-G-A.
Other names: c.53652C>T, p.Asp17884= (NM_001256850.1); c.31380C>T, p.Asp10460= (NM_003319.4); c.50871C>T, p.Asp16957= (NM_133378.4); c.31755C>T, p.Asp10585= (NM_133432.3); c.31956C>T, p.Asp10652= (NM_133437.4).
Identifiers: ClinVar variation 701759 (VCV000701759.12), dbSNP rs749735267, ClinGen allele CA1992830.
Genomic context (GRCh38, chr2:178,593,725, plus strand): 5'-AAGTAGTTTAGAAACTTTGCATGTTGTTTTAGCACTTGCAGATGTCACTGGCATCCAGAC[G>A]TCTTTACCCACTTCCTTCTTCTCAATAATATAATTGGTGATTTTACTGCCTCCATCATCT-3'
Protein context (NP_001254479.2, residues 19515-19535): YIIEKKEVGK[Asp19525=]VWMPVTSASA